The following is an entry in ClinVar:

NM_003024.3(ITSN1):c.13C>T (p.Pro5Ser)

Gene: ITSN1 (intersectin 1; plus strand). Cytogenetic location: 21q22.11.
Variant type: single nucleotide variant.
Coding change: c.13C>T on transcript NM_003024.3 (MANE Select); coding-DNA position 13, C replaced by T.
Protein change: p.Pro5Ser; replaces proline 5 with serine.
Molecular consequence: missense variant.
Genome position (GRCh38, 1-based): chr21:33,718,841, C>T. VCF-style: chr21-33718841-C-T. GRCh37 (hg19) VCF-style: chr21-35091146-C-T.
Other names: c.13C>T, p.Pro5Ser (NM_001001132.2, NM_001331008.2, NM_001331009.2 and 3 more transcripts); short protein forms P5S.
Identifiers: ClinVar variation 5018114 (VCV005018114.1).

ClinVar aggregate classification (germline): Uncertain significance (1 of 4 stars; one submission).

Submission:

GeneDx
Classification: Uncertain significance. Last evaluated: 2026-04-03. Review status: criteria provided, single submitter. Criteria: GeneDx Variant Classification Process June 2021. Collection method: clinical testing. Allele origin: germline.
Comment: Not observed at significant frequency in large population cohorts (gnomAD); In silico analysis supports that this missense variant has a deleterious effect on protein structure/function; Has not been previously published as pathogenic or benign to our knowledge